The following is an entry in ClinVar:

ClinVar aggregate classification (germline): Uncertain significance. Review status: criteria provided, multiple submitters, no conflicts (2 of 4 stars). 2 submissions from 2 submitters: Uncertain significance (2). Last evaluated 2025-11-11.

Conditions:
KCNQ4-related disorder. Also called: KCNQ4-related condition.

gnomAD v4.1: 32 of 1,556,210 alleles (0.0021%); highest among the groups gnomAD compares: East Asian, 0.0049%; no homozygotes.

Submissions (2):

PreventionGenetics, part of Exact Sciences
Classification: Uncertain significance for KCNQ4-related condition. Last evaluated: 2025-11-11. Review status: criteria provided, single submitter. Criteria: ACMG Guidelines, 2015. Collection method: clinical testing. Allele origin: germline.
Comment: The KCNQ4 c.1205C>T variant is predicted to result in the amino acid substitution p.Ala402Val. To our knowledge, this variant has not been reported in the literature. This variant is reported in 0.0040% of alleles in individuals of Latino descent in gnomAD. At this time, the clinical significance of this variant is uncertain due to the absence of conclusive functional and genetic evidence.

GeneDx
Classification: Uncertain significance. Last evaluated: 2025-01-15. Review status: criteria provided, single submitter. Criteria: GeneDx Variant Classification Process June 2021. Collection method: clinical testing. Allele origin: germline. Affected: yes.
Comment: Not observed at significant frequency in large population cohorts (gnomAD); In silico analysis indicates that this missense variant does not alter protein structure/function; Has not been previously published as pathogenic or benign to our knowledge

NM_004700.4(KCNQ4):c.1205C>T (p.Ala402Val)

Gene: KCNQ4 (potassium voltage-gated channel subfamily Q member 4; plus strand). Cytogenetic location: 1p34.2.
Variant type: single nucleotide variant.
Coding change: c.1205C>T on transcript NM_004700.4 (MANE Select); coding-DNA position 1205, C replaced by T.
Protein change: p.Ala402Val; replaces alanine 402 with valine.
Molecular consequence: missense variant. On other transcripts: intron variant (1).
Genome position (GRCh38, 1-based): chr1:40,824,171, C>T. VCF-style: chr1-40824171-C-T. GRCh37 (hg19) VCF-style: chr1-41289843-C-T.
Other names: c.1130+1769C>T (NM_172163.3); short protein forms A402V.
Identifiers: ClinVar variation 4070747 (VCV004070747.2).